The following is an entry in ClinVar:

NM_000245.4(MET):c.2455G>A (p.Ala819Thr)

Gene: MET (MET proto-oncogene, receptor tyrosine kinase; plus strand). Cytogenetic location: 7q31.2.
Variant type: single nucleotide variant.
Coding change: c.2455G>A on transcript NM_000245.4 (MANE Select); coding-DNA position 2455, G replaced by A.
Protein change: p.Ala819Thr; replaces alanine 819 with threonine.
Molecular consequence: missense variant.
Genome position (GRCh38, 1-based): chr7:116,763,140, G>A. VCF-style: chr7-116763140-G-A. GRCh37 (hg19) VCF-style: chr7-116403194-G-A.
Other names: c.2509G>A, p.Ala837Thr (NM_001127500.3); c.2455G>A, p.Ala819Thr (NM_001324401.3); c.1165G>A, p.Ala389Thr (NM_001324402.2); short protein forms A837T, A389T, A819T.
Identifiers: ClinVar variation 187360 (VCV000187360.15), dbSNP rs786203672, ClinGen allele CA197454.
Genomic context (GRCh38, chr7:116,763,140, plus strand): 5'-ATCTGTTGTACCACTCCTTCCCTGCAACAGCTGAATCTGCAACTCCCCCTGAAAACCAAA[G>A]CCTTTTTCATGTTAGATGGGATCCTTTCCAAATACTTTGATCTCATTTATGTACATAATC-3'
Protein context (NP_000236.2, residues 809-829): LNLQLPLKTK[Ala819Thr]FFMLDGILSK

ClinVar aggregate classification (germline): Conflicting classifications of pathogenicity. Review status: criteria provided, conflicting classifications (1 of 4 stars). 4 submissions from 4 submitters: Uncertain significance (3); Likely benign (1). Last evaluated 2025-12-01.

Conditions:
Renal cell carcinoma. Identifiers: Orphanet 217071, MedGen C0007134, MeSH D002292, MONDO:0005086, HP:0005584.
Hereditary cancer-predisposing syndrome. Also called: Neoplastic Syndromes, Hereditary; Tumor predisposition; Hereditary Cancer Syndrome; Hereditary neoplastic syndrome. Identifiers: Orphanet 140162, MedGen C0027672, MeSH D009386, MONDO:0015356.
Autosomal recessive nonsyndromic hearing loss 97. Also called: Deafness, autosomal recessive 97. Identifiers: Orphanet 90636, MedGen C4084709, MONDO:0014739, OMIM 616705.

Allele frequency attached by ClinVar (database versions not stated): TOPMed 0.00001; gnomAD exomes 0.00002.
gnomAD v4.1: 9 of 1,613,938 alleles (0.00056%); highest among the groups gnomAD compares: Middle Eastern, 0.049%; no homozygotes.

Submissions (4):

Labcorp Genetics (formerly Invitae), Labcorp
Classification: Uncertain significance for Renal cell carcinoma. Last evaluated: 2025-12-01. Review status: criteria provided, single submitter. Criteria: Invitae Variant Classification Sherloc (09022015). Collection method: clinical testing. Allele origin: germline.
Comment: This sequence change replaces alanine, which is neutral and non-polar, with threonine, which is neutral and polar, at codon 837 of the MET protein (p.Ala837Thr). This variant is present in population databases (rs786203672, gnomAD 0.01%). This variant has not been reported in the literature in individuals affected with MET-related conditions. ClinVar contains an entry for this variant (Variation ID: 187360). Invitae Evidence Modeling of protein sequence and biophysical properties (such as structural, functional, and spatial information, amino acid conservation, physicochemical variation, residue mobility, and thermodynamic stability) has been performed for this missense variant. However, the output from this modeling did not meet the statistical confidence thresholds required to predict the impact of this variant on MET protein function. In summary, the available evidence is currently insufficient to determine the role of this variant in disease. Therefore, it has been classified as a Variant of Uncertain Significance.

Baylor Genetics
Classification: Uncertain significance for Autosomal recessive nonsyndromic hearing loss 97. Last evaluated: 2024-01-26. Review status: criteria provided, single submitter. Criteria: ACMG Guidelines, 2015. Collection method: clinical testing. Allele origin: unknown.

Ambry Genetics
Classification: Likely benign for Hereditary cancer-predisposing syndrome. Last evaluated: 2022-04-07. Review status: criteria provided, single submitter. Criteria: Ambry Variant Classification Scheme 2023. Collection method: clinical testing. Allele origin: germline.

GeneDx
Classification: Uncertain significance. Last evaluated: 2019-11-04. Review status: criteria provided, single submitter. Criteria: GeneDx Variant Classification Process June 2021. Collection method: clinical testing. Allele origin: germline. Affected: yes.
Comment: Not observed at a significant frequency in large population cohorts (Lek 2016); In silico analysis, which includes protein predictors and evolutionary conservation, supports that this variant does not alter protein structure/function; Has not been previously published as pathogenic or benign to our knowledge